The following is an entry in ClinVar:

NM_001122630.2(CDKN1C):c.170A>C (p.Asp57Ala)

Gene: CDKN1C (cyclin dependent kinase inhibitor 1C; minus strand). Cytogenetic location: 11p15.4.
Variant type: single nucleotide variant.
Coding change: c.170A>C on transcript NM_001122630.2 (MANE Select); coding-DNA position 170, A replaced by C.
Protein change: p.Asp57Ala; replaces aspartic acid 57 with alanine.
Molecular consequence: missense variant.
Genome position (GRCh38, 1-based): chr11:2,885,287, T>G on the plus strand (A>C on the coding strand, the complement: CDKN1C is on the minus strand). VCF-style: chr11-2885287-T-G. GRCh37 (hg19) VCF-style: chr11-2906517-T-G.
Other names: c.203A>C, p.Asp68Ala (NM_000076.2, NM_001362474.2); c.170A>C, p.Asp57Ala (NM_001122631.2, NM_001362475.2); short protein forms D68A, D57A.
Identifiers: ClinVar variation 2834261 (VCV002834261.3), dbSNP rs2494389922, ClinGen allele CA379147410.
Genomic context (GRCh38, chr11:2,885,287, plus strand): 5'-GGCACCGAGTCGCTGTCCACTTCGGTCCACTGCAGGCGTCCAGGGCCCCGCAGCGGCATG[T>G]CCTGCTGGAAGTCGTAATCCCAGCGGTTCTGGTCCTCGGCGTTCAGCTCGGCCAGGCGGG-3'
Protein context (NP_001116102.1, residues 47-67): QNRWDYDFQQ[Asp57Ala]MPLRGPGRLQ

ClinVar aggregate classification (germline): Uncertain significance (1 of 4 stars; one submission).

Conditions:
Beckwith-Wiedemann syndrome (BWS). Also called: EMG SYNDROME; Exomphalos macroglossia gigantism syndrome. Identifiers: Orphanet 116, MedGen C0004903, MONDO:0007534, OMIM 130650.

Submission:

Labcorp Genetics (formerly Invitae), Labcorp
Classification: Uncertain significance for Beckwith-Wiedemann syndrome. Last evaluated: 2023-02-03. Review status: criteria provided, single submitter. Criteria: Invitae Variant Classification Sherloc (09022015). Collection method: clinical testing. Allele origin: germline.
Comment: Advanced modeling of protein sequence and biophysical properties (such as structural, functional, and spatial information, amino acid conservation, physicochemical variation, residue mobility, and thermodynamic stability) performed at Invitae indicates that this missense variant is not expected to disrupt CDKN1C protein function. This sequence change replaces aspartic acid, which is acidic and polar, with alanine, which is neutral and non-polar, at codon 68 of the CDKN1C protein (p.Asp68Ala). This variant is not present in population databases (gnomAD no frequency). This variant has not been reported in the literature in individuals affected with CDKN1C-related conditions. In summary, the available evidence is currently insufficient to determine the role of this variant in disease. Therefore, it has been classified as a Variant of Uncertain Significance.